The following is an entry in ClinVar:

NM_015378.4(VPS13D):c.669+4C>T

Gene: VPS13D (vacuolar protein sorting 13 homolog D; plus strand). Cytogenetic location: 1p36.22.
Variant type: single nucleotide variant.
Coding change: c.669+4C>T on transcript NM_015378.4 (MANE Select); 4 bases into the intron after coding-DNA position 669, C replaced by T.
Molecular consequence: intron variant.
Genome position (GRCh38, 1-based): chr1:12,253,830, C>T. VCF-style: chr1-12253830-C-T. GRCh37 (hg19) VCF-style: chr1-12313887-C-T.
Other names: c.669+4C>T (NM_018156.4).
Identifiers: ClinVar variation 2161860 (VCV002161860.4), dbSNP rs373316874, ClinGen allele CA601279.

ClinVar aggregate classification (germline): Uncertain significance (1 of 4 stars; one submission).

Allele frequency attached by ClinVar (database versions not stated): gnomAD 0.00001; gnomAD exomes 0.00001; ExAC 0.00002; TOPMed 0.00003; ESP Exome Variant Server 0.00008.
gnomAD v4.1: 15 of 1,612,278 alleles (0.00093%); highest among the groups gnomAD compares: East Asian, 0.0022%; no homozygotes.

Submission:

Labcorp Genetics (formerly Invitae), Labcorp
Classification: Uncertain significance. Last evaluated: 2023-10-27. Review status: criteria provided, single submitter. Criteria: Invitae Variant Classification Sherloc (09022015). Collection method: clinical testing. Allele origin: germline.
Comment: This sequence change falls in intron 7 of the VPS13D gene. It does not directly change the encoded amino acid sequence of the VPS13D protein. It affects a nucleotide within the consensus splice site. This variant is present in population databases (rs373316874, gnomAD 0.003%). This variant has not been reported in the literature in individuals affected with VPS13D-related conditions. ClinVar contains an entry for this variant (Variation ID: 2161860). Variants that disrupt the consensus splice site are a relatively common cause of aberrant splicing (PMID: 17576681, 9536098). Algorithms developed to predict the effect of sequence changes on RNA splicing suggest that this variant is not likely to affect RNA splicing. In summary, the available evidence is currently insufficient to determine the role of this variant in disease. Therefore, it has been classified as a Variant of Uncertain Significance.

Literature cited by the submitters: PubMed 17576681; PubMed 9536098.